The following is an entry in ClinVar:

ClinVar aggregate classification (germline): Uncertain significance (1 of 4 stars; one submission).

Conditions:
Ehlers-Danlos syndrome, classic type, 1 (EDSCL1). Also called: EHLERS-DANLOS SYNDROME, GRAVIS TYPE; EHLERS-DANLOS SYNDROME, SEVERE CLASSIC TYPE; Ehlers-Danlos syndrome, type 1; Ehlers-Danlos Syndrome, Classic Type, COL5A1-Related; EDS I. Identifiers: MedGen C0268335, MONDO:0019567, OMIM 130000.
Osteogenesis imperfecta type I (OI1). Also called: OI, TYPE I; OSTEOGENESIS IMPERFECTA TARDA; OSTEOGENESIS IMPERFECTA WITH BLUE SCLERAE; Osteogenesis imperfecta type 1; Lobstein's Disease; Lobstein disease. Identifiers: Orphanet 216796, Orphanet 666, MedGen C0023931, MONDO:0008146, OMIM 166200. Disease mechanism: loss of function.

Allele frequency attached by ClinVar (database versions not stated): gnomAD exomes below 0.00001.
gnomAD v4.1: 1 of 1,602,606 alleles (0.000062%); highest among the groups gnomAD compares: Non-Finnish European, 0.000085%; no homozygotes.

Submission:

Labcorp Genetics (formerly Invitae), Labcorp
Classification: Uncertain significance for Osteogenesis imperfecta type I; Ehlers-Danlos syndrome, classic type, 1. Last evaluated: 2021-02-15. Review status: criteria provided, single submitter. Criteria: Invitae Variant Classification Sherloc (09022015). Collection method: clinical testing. Allele origin: germline.
Comment: Advanced modeling of protein sequence and biophysical properties (such as structural, functional, and spatial information, amino acid conservation, physicochemical variation, residue mobility, and thermodynamic stability) performed at Invitae indicates that this missense variant is not expected to disrupt COL1A2 protein function. In summary, the available evidence is currently insufficient to determine the role of this variant in disease. Therefore, it has been classified as a Variant of Uncertain Significance. This variant has not been reported in the literature in individuals with COL1A2-related conditions. This variant is not present in population databases (ExAC no frequency). This sequence change replaces isoleucine with valine at codon 650 of the COL1A2 protein (p.Ile650Val). The isoleucine residue is moderately conserved and there is a small physicochemical difference between isoleucine and valine.

NM_000089.4(COL1A2):c.1948A>G (p.Ile650Val)

Gene: COL1A2 (collagen type I alpha 2 chain; plus strand). Cytogenetic location: 7q21.3.
Variant type: single nucleotide variant.
Coding change: c.1948A>G on transcript NM_000089.4 (MANE Select); coding-DNA position 1948, A replaced by G.
Protein change: p.Ile650Val; replaces isoleucine 650 with valine.
Molecular consequence: missense variant.
Genome position (GRCh38, 1-based): chr7:94,417,808, A>G. VCF-style: chr7-94417808-A-G. GRCh37 (hg19) VCF-style: chr7-94047120-A-G.
Other names: short protein forms I650V.
Identifiers: ClinVar variation 1432462 (VCV001432462.8), dbSNP rs781672171, ClinGen allele CA368222921.